The following is an entry in ClinVar:

ClinVar aggregate classification (germline): Pathogenic. Review status: reviewed by expert panel (3 of 4 stars). 16 submissions from 16 submitters: Pathogenic (1). 15 of the submissions do not count toward it. Last evaluated 2016-09-08.

Conditions:
Pancreatic cancer, susceptibility to, 2. Identifiers: Orphanet 1333, MedGen C3150546, MONDO:0013235, OMIM 613347.
Glioma susceptibility 3 (GLM3). Also called: Glioblastoma 3. Identifiers: Orphanet 182067, Orphanet 360, MedGen C2751641, MONDO:0013093, OMIM 613029.
Familial prostate cancer. Also called: Hereditary Prostate Cancer. Identifiers: MedGen C2931456, MONDO:0700275, OMIM 176807.
Breast-ovarian cancer, familial, susceptibility to, 2 (BROVCA2). Also called: BRCA2 Hereditary Breast and Ovarian Cancer. Identifiers: Orphanet 145, MedGen C2675520, MONDO:0012933, OMIM 612555. Disease mechanism: loss of function.
Fanconi anemia complementation group D1. Also called: BRCA2-Related Fanconi Anemia. Identifiers: Orphanet 319462, MedGen C1838457, MONDO:0011584, OMIM 605724.
Medulloblastoma (MDB). Also called: Medulloblastoma, somatic; MEDULLOBLASTOMA PREDISPOSITION SYNDROME. Identifiers: Orphanet 616, MedGen C0025149, MeSH D008527, MONDO:0007959, OMIM 155255, HP:0002885.
Wilms tumor 1 (WT1). Also called: Wilms tumor, somatic. Identifiers: Orphanet 654, MedGen CN033288, MONDO:0008679, OMIM 194070.
Familial cancer of breast. Also called: BREAST CANCER, FAMILIAL; hereditary breast carcinoma; Hereditary breast cancer. Identifiers: Orphanet 227535, MedGen C0346153, MONDO:0016419, OMIM 114480. Disease mechanism: loss of function.
Gastric cancer. Also called: Malignant tumor of stomach; Stomach cancer. Identifiers: MedGen C0024623, MeSH D013274, MONDO:0001056, OMIM 613659, HP:0012126.
Hereditary cancer-predisposing syndrome. Also called: Neoplastic Syndromes, Hereditary; Tumor predisposition; Hereditary Cancer Syndrome; Hereditary neoplastic syndrome. Identifiers: Orphanet 140162, MedGen C0027672, MeSH D009386, MONDO:0015356.
Hereditary breast ovarian cancer syndrome. Also called: Breast and ovarian cancer; Hereditary breast and ovarian cancer; Hereditary breast and ovarian cancer syndrome (HBOC); Hereditary breast and ovarian cancer syndrome; BRCA1- and BRCA2-Associated Hereditary Breast and Ovarian Cancer; Hereditary breast and/or ovarian cancer syndrome. Identifiers: Orphanet 145, MedGen C0677776, MeSH D061325, MONDO:0003582. Disease mechanism: loss of function.

Submissions 1 to 10 of 16:

Evidence-based Network for the Interpretation of Germline Mutant Alleles (ENIGMA)
Classification: Pathogenic for Breast-ovarian cancer, familial, susceptibility to, 2. Last evaluated: 2016-09-08. Review status: reviewed by expert panel. Criteria: ENIGMA BRCA1/2 Classification Criteria (2015). Collection method: curation. Allele origin: germline.
Comment: Variant allele predicted to encode a truncated non-functional protein.

Women's Health and Genetics/Laboratory Corporation of America, LabCorp
Classification: Pathogenic for Hereditary breast ovarian cancer syndrome. Last evaluated: 2025-04-29. Review status: criteria provided, single submitter. Criteria: LabCorp Variant Classification Summary - May 2015. Collection method: clinical testing. Allele origin: germline. Not counted in ClinVar's aggregate classification.
Comment: Variant summary: BRCA2 c.5482_5486delAAATT (p.Lys1828ValfsX4) results in a premature termination codon, predicted to cause a truncation of the encoded protein or absence of the protein due to nonsense mediated decay, which are commonly known mechanisms for disease. Truncations downstream of this position have been classified as pathogenic by our laboratory. The variant was absent in 251050 control chromosomes (gnomAD). c.5482_5486delAAATT has been reported in the literature in multiple individuals affected with Hereditary Breast and Ovarian Cancer (e.g. Kwong_2016, Momozawa_2018, Rebbeck_2018). These data indicate that the variant is very likely to be associated with disease. To our knowledge, no experimental evidence demonstrating an impact on protein function has been reported. Three ClinVar submitters have cited this variant (after 2014) as pathogenic. Based on the evidence outlined above, the variant was classified as pathogenic.

Quest Diagnostics Nichols Institute San Juan Capistrano
Classification: Pathogenic. Last evaluated: 2025-02-14. Review status: criteria provided, single submitter. Criteria: Quest Diagnostics criteria. Collection method: clinical testing. Allele origin: unknown. Not counted in ClinVar's aggregate classification.
Comment: The BRCA2 c.5482_5486del (p.Lys1828Valfs*4) variant alters the translational reading frame of the BRCA2 mRNA and causes the premature termination of BRCA2 protein synthesis. This variant has been reported in the published literature in individuals with a personal and/or family history of breast cancer (PMID: 30287823 (2018), 26187060 (2015), 11149425 (2001)) as well as in a reportedly healthy individual (PMID: 30287823 (2018)). This variant has not been reported in large, multi-ethnic general populations (Genome Aggregation Database). Based on the available information, this variant is classified as pathogenic.

Labcorp Genetics (formerly Invitae), Labcorp
Classification: Pathogenic for Hereditary breast ovarian cancer syndrome. Last evaluated: 2024-11-03. Review status: criteria provided, single submitter. Criteria: Invitae Variant Classification Sherloc (09022015). Collection method: clinical testing. Allele origin: germline. Not counted in ClinVar's aggregate classification.
Comment: This sequence change creates a premature translational stop signal (p.Lys1828Valfs*4) in the BRCA2 gene. It is expected to result in an absent or disrupted protein product. Loss-of-function variants in BRCA2 are known to be pathogenic (PMID: 20104584). This variant is not present in population databases (gnomAD no frequency). This premature translational stop signal has been observed in individual(s) with breast cancer (PMID: 26187060, 30287823). ClinVar contains an entry for this variant (Variation ID: 41553). For these reasons, this variant has been classified as Pathogenic.

Fulgent Genetics
Classification: Pathogenic for Familial cancer of breast; Medulloblastoma; Familial prostate cancer; Wilms tumor 1; Fanconi anemia complementation group D1; Breast-ovarian cancer, familial, susceptibility to, 2; Glioma susceptibility 3; Pancreatic cancer, susceptibility to, 2. Last evaluated: 2024-02-22. Review status: criteria provided, single submitter. Criteria: ACMG Guidelines, 2015. Collection method: clinical testing. Allele origin: germline. Not counted in ClinVar's aggregate classification.

All of Us Research Program, National Institutes of Health
Classification: Pathogenic for Breast-ovarian cancer, familial, susceptibility to, 2. Last evaluated: 2023-06-08. Review status: criteria provided, single submitter. Criteria: ACMG Guidelines, 2015. Collection method: clinical testing. Allele origin: germline. Inheritance: Autosomal dominant inheritance. Observed: 1 variant allele, 1 heterozygote. Not counted in ClinVar's aggregate classification.
Comment: This variant deletes 5 nucleotides in exon 11 of the BRCA2 gene, creating a frameshift and premature translation stop signal. This variant is expected to result in an absent or non-functional protein product. This variant has been reported in individuals affected with breast cancer (PMID: 11149425, 26187060, 30287823). This variant has not been identified in the general population by the Genome Aggregation Database (gnomAD). Loss of BRCA2 function is a known mechanism of disease. Based on the available evidence, this variant is classified as Pathogenic.

This study involves interpretation of variants in research participants for the purpose of population health screening. Participant phenotype was not available at the time of variant classification. Additional details can be found in publication PMID: 35346344, PMCID: PMC8962531

Color Diagnostics, LLC DBA Color Health
Classification: Pathogenic for Hereditary cancer-predisposing syndrome. Last evaluated: 2023-04-18. Review status: criteria provided, single submitter. Criteria: ACMG Guidelines, 2015. Collection method: clinical testing. Allele origin: germline. Not counted in ClinVar's aggregate classification.
Comment: This variant deletes 5 nucleotides in exon 11 of the BRCA2 gene, creating a frameshift and premature translation stop signal. This variant is expected to result in an absent or non-functional protein product. This variant has been reported in individuals affected with breast cancer (PMID: 11149425, 26187060, 30287823). This variant has not been identified in the general population by the Genome Aggregation Database (gnomAD). Loss of BRCA2 function is a known mechanism of disease. Based on the available evidence, this variant is classified as Pathogenic.

Ambry Genetics
Classification: Pathogenic for Hereditary cancer-predisposing syndrome. Last evaluated: 2022-12-01. Review status: criteria provided, single submitter. Criteria: Ambry Variant Classification Scheme 2023. Collection method: clinical testing. Allele origin: germline. Not counted in ClinVar's aggregate classification.
Comment: The c.5482_5486delAAATT pathogenic mutation, located in coding exon 10 of the BRCA2 gene, results from a deletion of 5 nucleotides at nucleotide positions 5482 to 5486, causing a translational frameshift with a predicted alternate stop codon (p.K1828Vfs*4). This alteration has also been reported as a pathogenic mutation in cohorts of East Asian individuals (Kwong A et al. J. Med. Genet., 2016 Jan;53:15-23; Momozowa Y et al. Nat Commun 2018 10;9(1):4083). In addition to the clinical data presented in the literature, this alteration is expected to result in loss of function by premature protein truncation or nonsense-mediated mRNA decay. As such, this alteration is interpreted as a disease-causing mutation.

Baylor Genetics
Classification: Pathogenic for Familial cancer of breast. Last evaluated: 2022-01-04. Review status: criteria provided, single submitter. Criteria: ACMG Guidelines, 2015. Collection method: clinical testing. Allele origin: unknown. Not counted in ClinVar's aggregate classification.

Consortium of Investigators of Modifiers of BRCA1/2 (CIMBA), c/o University of Cambridge
Classification: Pathogenic for Breast-ovarian cancer, familial, susceptibility to, 2. Last evaluated: 2015-10-02. Review status: criteria provided, single submitter. Criteria: CIMBA Mutation Classification guidelines May 2016. Collection method: clinical testing. Allele origin: germline. Not counted in ClinVar's aggregate classification.

NM_000059.4(BRCA2):c.5482_5486del (p.Lys1828fs)

Gene: BRCA2 (BRCA2 DNA repair associated; plus strand). Cytogenetic location: 13q13.1.
Variant type: Deletion.
Coding change: c.5482_5486del on transcript NM_000059.4 (MANE Select); coding-DNA positions 5482 to 5486, 5 bases deleted (AAATT; older notation c.5482_5486delAAATT).
Protein change: p.Lys1828fs; shifts the reading frame from lysine 1828.
Molecular consequence: frameshift variant.
Genome position (GRCh38, 1-based): chr13:32,339,837-32,339,841, AAATT deleted; deleting any 5 consecutive bases within chr13:32,339,834-32,339,841 gives the same sequence; the c. name uses the placement nearest the transcript's 3' end. VCF-style (leftmost placement, unchanged base first): chr13-32339833-CATTAA-C. GRCh37 (hg19) VCF-style: chr13-32913970-CATTAA-C.
Other names: 5710del5; c.5482_5486delAAATT (NM_000059.3).
Identifiers: ClinVar variation 41553 (VCV000041553.42), dbSNP rs80359516, ClinGen allele CA022418.